The following is an entry in ClinVar:

ClinVar aggregate classification (germline): Uncertain significance. Review status: criteria provided, multiple submitters, no conflicts (2 of 4 stars). 2 submissions from 2 submitters: Uncertain significance (2). Last evaluated 2025-10-21.

Allele frequency attached by ClinVar (database versions not stated): gnomAD exomes below 0.00001 and 0.00001.
gnomAD v4.1: 16 of 1,612,788 alleles (0.00099%); highest among the groups gnomAD compares: Non-Finnish European, 0.0014%; no homozygotes.

Submissions (2):

Ambry Genetics
Classification: Uncertain significance. Last evaluated: 2025-10-21. Review status: criteria provided, single submitter. Criteria: Ambry Variant Classification Scheme 2023. Collection method: clinical testing. Allele origin: germline.

Labcorp Genetics (formerly Invitae), Labcorp
Classification: Uncertain significance. Last evaluated: 2022-03-10. Review status: criteria provided, single submitter. Criteria: Invitae Variant Classification Sherloc (09022015). Collection method: clinical testing. Allele origin: germline.
Comment: In summary, the available evidence is currently insufficient to determine the role of this variant in disease. Therefore, it has been classified as a Variant of Uncertain Significance. Algorithms developed to predict the effect of missense changes on protein structure and function are either unavailable or do not agree on the potential impact of this missense change (SIFT: "Tolerated"; PolyPhen-2: "Possibly Damaging"; Align-GVGD: "Class C0"). This variant has not been reported in the literature in individuals affected with MCM2-related conditions. The frequency data for this variant in the population databases is considered unreliable, as metrics indicate poor data quality at this position in the gnomAD database. This sequence change replaces alanine, which is neutral and non-polar, with glutamic acid, which is acidic and polar, at codon 2 of the MCM2 protein (p.Ala2Glu).

NM_004526.4(MCM2):c.5C>A (p.Ala2Glu)

Gene: MCM2 (minichromosome maintenance complex component 2; plus strand). Cytogenetic location: 3q21.3.
Variant type: single nucleotide variant.
Coding change: c.5C>A on transcript NM_004526.4 (MANE Select); coding-DNA position 5, C replaced by A.
Protein change: p.Ala2Glu; replaces alanine 2 with glutamic acid.
Molecular consequence: missense variant. On other transcripts: non-coding transcript variant (1).
Genome position (GRCh38, 1-based): chr3:127,598,471, C>A. VCF-style: chr3-127598471-C-A. GRCh37 (hg19) VCF-style: chr3-127317314-C-A.
Other names: c.5C>A (NM_004526.2); short protein forms A2E.
Identifiers: ClinVar variation 1515501 (VCV001515501.9), dbSNP rs1247401070, ClinGen allele CA354379177.